The following is an entry in ClinVar:

NM_147127.5(EVC2):c.2785A>G (p.Ile929Val)

Gene: EVC2 (EvC ciliary complex subunit 2; minus strand). Cytogenetic location: 4p16.2.
Variant type: single nucleotide variant.
Coding change: c.2785A>G on transcript NM_147127.5 (MANE Select); coding-DNA position 2785, A replaced by G.
Protein change: p.Ile929Val; replaces isoleucine 929 with valine.
Molecular consequence: missense variant.
Genome position (GRCh38, 1-based): chr4:5,615,466, T>C on the plus strand (A>G on the coding strand, the complement: EVC2 is on the minus strand). VCF-style: chr4-5615466-T-C. GRCh37 (hg19) VCF-style: chr4-5617193-T-C.
Other names: c.2545A>G, p.Ile849Val (NM_001166136.2); short protein forms I849V, I929V.
Identifiers: ClinVar variation 2953196 (VCV002953196.3), dbSNP rs2475350293, ClinGen allele CA356142287.

ClinVar aggregate classification (germline): Uncertain significance (1 of 4 stars; one submission).

Conditions:
Ellis-van Creveld syndrome (EVC). Also called: EVC-Related Ellis-van Creveld Syndrome; EVC2-Related Ellis-van Creveld Syndrome; MESOECTODERMAL DYSPLASIA; Chondroectodermal dysplasia. Identifiers: Orphanet 289, MedGen C0013903, MONDO:0009162, OMIM 225500.
Curry-Hall syndrome (WAD). Also called: WEYERS ACRODENTAL DYSOSTOSIS. Identifiers: Orphanet 952, MedGen C0457013, MONDO:0008673, OMIM 193530.

Submission:

Labcorp Genetics (formerly Invitae), Labcorp
Classification: Uncertain significance for Curry-Hall syndrome; Ellis-van Creveld syndrome. Last evaluated: 2023-10-22. Review status: criteria provided, single submitter. Criteria: Invitae Variant Classification Sherloc (09022015). Collection method: clinical testing. Allele origin: germline.
Comment: This sequence change replaces isoleucine, which is neutral and non-polar, with valine, which is neutral and non-polar, at codon 929 of the EVC2 protein (p.Ile929Val). This variant is not present in population databases (gnomAD no frequency). This variant has not been reported in the literature in individuals affected with EVC2-related conditions. An algorithm developed to predict the effect of missense changes on protein structure and function (PolyPhen-2) suggests that this variant is likely to be tolerated. In summary, the available evidence is currently insufficient to determine the role of this variant in disease. Therefore, it has been classified as a Variant of Uncertain Significance.